The following is an entry in ClinVar:

NM_001370259.2(MEN1):c.480T>C (p.Ala160=)

Gene: MEN1 (menin 1; minus strand). Cytogenetic location: 11q13.1.
Variant type: single nucleotide variant.
Coding change: c.480T>C on transcript NM_001370259.2 (MANE Select); coding-DNA position 480, T replaced by C.
Protein change: p.Ala160=; no amino-acid change (alanine 160 retained).
Molecular consequence: synonymous variant.
Genome position (GRCh38, 1-based): chr11:64,808,065, A>G on the plus strand (T>C on the coding strand, the complement: MEN1 is on the minus strand). VCF-style: chr11-64808065-A-G. GRCh37 (hg19) VCF-style: chr11-64575537-A-G.
Other names: c.495T>C, p.Ala165= (NM_000244.4, NM_130800.3, NM_130801.3 and 3 more transcripts); c.480T>C, p.Ala160= (NM_001370251.2, NM_001370260.2, NM_001370261.2 and 3 more transcripts).
Identifiers: ClinVar variation 1147362 (VCV001147362.11), dbSNP rs2136157794, ClinGen allele CA475163162.

ClinVar aggregate classification (germline): Benign/Likely benign. Review status: criteria provided, multiple submitters, no conflicts (2 of 4 stars). 4 submissions from 4 submitters: Benign (1); Likely benign (3). Last evaluated 2026-01-25.

Conditions:
Multiple endocrine neoplasia, type 1 (MEN1). Also called: MEN I; WERMER SYNDROME; Endocrine adenomatosis multiple; MEN 1; MEA I. Identifiers: Orphanet 652, MedGen C0025267, MeSH D018761, MONDO:0007540, OMIM 131100.
Hereditary cancer-predisposing syndrome. Also called: Hereditary neoplastic syndrome; Tumor predisposition; Neoplastic Syndromes, Hereditary; Hereditary Cancer Syndrome. Identifiers: Orphanet 140162, MedGen C0027672, MeSH D009386, MONDO:0015356.

Allele frequency attached by ClinVar (database versions not stated): gnomAD exomes 0.00001.
gnomAD v4.1: 7 of 1,613,830 alleles (0.00043%); highest among the groups gnomAD compares: Non-Finnish European, 0.00059%; no homozygotes.

Submissions (4):

Labcorp Genetics (formerly Invitae), Labcorp
Classification: Likely benign for Multiple endocrine neoplasia, type 1. Last evaluated: 2026-01-25. Review status: criteria provided, single submitter. Criteria: Invitae Variant Classification Sherloc (09022015). Collection method: clinical testing. Allele origin: germline.

Myriad Genetics, Inc.
Classification: Benign for Multiple endocrine neoplasia, type 1. Last evaluated: 2024-11-01. Review status: criteria provided, single submitter. Criteria: Myriad Autosomal Dominant, Autosomal Recessive and X-Linked Classification Criteria (2023). Collection method: clinical testing. Allele origin: unknown.
Comment: This variant is considered benign. This variant is a silent/synonymous amino acid change and it is not expected to impact splicing.

All of Us Research Program, National Institutes of Health
Classification: Likely benign for Multiple endocrine neoplasia, type 1. Last evaluated: 2024-05-14. Review status: criteria provided, single submitter. Criteria: ACMG Guidelines, 2015. Collection method: clinical testing. Allele origin: germline. Inheritance: Autosomal dominant inheritance. Observed: 1 variant allele, 1 heterozygote.
Comment: This study involves interpretation of variants in research participants for the purpose of population health screening. Participant phenotype was not available at the time of variant classification. Additional details can be found in publication PMID: 35346344, PMCID: PMC8962531

Ambry Genetics
Classification: Likely benign for Hereditary cancer-predisposing syndrome. Last evaluated: 2021-10-23. Review status: criteria provided, single submitter. Criteria: Ambry Variant Classification Scheme 2023. Collection method: clinical testing. Allele origin: germline.